The following is an entry in ClinVar:

NM_001378457.1(DMXL2):c.1598del (p.Gly533fs)

Gene: DMXL2 (Dmx like 2; minus strand). Cytogenetic location: 15q21.2.
Variant type: Deletion.
Coding change: c.1598del on transcript NM_001378457.1 (MANE Select); coding-DNA position 1598, one base deleted (G; older notation c.1598delG).
Protein change: p.Gly533fs; shifts the reading frame from glycine 533.
Molecular consequence: frameshift variant. On other transcripts: non-coding transcript variant (2).
Genome position (GRCh38, 1-based): chr15:51,537,507, C deleted on the plus strand (G on the coding strand, the reverse complement: DMXL2 is on the minus strand); the first of 2 consecutive C bases (chr15:51,537,507-51,537,508); deleting either gives the same sequence. VCF-style (leftmost placement, unchanged base first): chr15-51537506-TC-T. GRCh37 (hg19) VCF-style: chr15-51829703-TC-T.
Other names: c.1598del, p.Gly533fs (NM_001174116.3, NM_001174117.3, NM_001378458.1 and 6 more transcripts); c.1358del, p.Gly453fs (NM_001378464.1); short protein forms G453fs, G533fs.
Identifiers: ClinVar variation 4856836 (VCV004856836.2).

ClinVar aggregate classification (germline): Likely pathogenic (1 of 4 stars; one submission).

Submission:

Dasa
Classification: Likely pathogenic. Last evaluated: 2024-11-05. Review status: criteria provided, single submitter. Criteria: DASA Assertion Criteria. Collection method: clinical testing. Allele origin: germline.
Comment: NM_001378457.1(DMXL2):c.1598del (p.Gly533Glufs*31) is a frameshift variant in DMXL2 predicted to alter the reading frame and introduce a premature termination codon and is predicted to result in an absent or altered protein product. Loss of function is an established disease mechanism for DMXL2-associated disorders. Also, this variant is absent from population databases. Based on the currently available evidence, this variant is classified as likely pathogenic.